The following is an entry in ClinVar:

NM_015512.5(DNAH1):c.9441C>G (p.Ile3147Met)

Gene: DNAH1 (dynein axonemal heavy chain 1; plus strand). Cytogenetic location: 3p21.1.
Variant type: single nucleotide variant.
Coding change: c.9441C>G on transcript NM_015512.5 (MANE Select); coding-DNA position 9441, C replaced by G.
Protein change: p.Ile3147Met; replaces isoleucine 3147 with methionine.
Molecular consequence: missense variant.
Genome position (GRCh38, 1-based): chr3:52,388,883, C>G. VCF-style: chr3-52388883-C-G. GRCh37 (hg19) VCF-style: chr3-52422899-C-G.
Other names: short protein forms I3147M.
Identifiers: ClinVar variation 1020810 (VCV001020810.2), dbSNP rs1402657419, ClinGen allele CA353195687.

ClinVar aggregate classification (germline): Uncertain significance (1 of 4 stars; one submission).

Conditions:
Spermatogenic failure 18. Identifiers: MedGen C4539783, MONDO:0054615, OMIM 617576.
Ciliary dyskinesia, primary, 37 (CILD37). Also called: CILIARY DYSKINESIA, PRIMARY, 37, WITH OR WITHOUT SITUS INVERSUS. Identifiers: MedGen C4539798, MONDO:0033204, OMIM 617577.

Allele frequency attached by ClinVar (database versions not stated): gnomAD exomes below 0.00001.
gnomAD v4.1: 2 of 1,613,478 alleles (0.00012%); highest among the groups gnomAD compares: Admixed American, 0.0033%; no homozygotes.

Submission:

Labcorp Genetics (formerly Invitae), Labcorp
Classification: Uncertain significance for Ciliary dyskinesia, primary, 37; Spermatogenic failure 18. Last evaluated: 2021-09-02. Review status: criteria provided, single submitter. Criteria: Invitae Variant Classification Sherloc (09022015). Collection method: clinical testing. Allele origin: germline.
Comment: This sequence change replaces isoleucine with methionine at codon 3147 of the DNAH1 protein (p.Ile3147Met). The isoleucine residue is highly conserved and there is a small physicochemical difference between isoleucine and methionine. This variant is not present in population databases (ExAC no frequency). This variant has not been reported in the literature in individuals affected with DNAH1-related conditions. Algorithms developed to predict the effect of missense changes on protein structure and function are either unavailable or do not agree on the potential impact of this missense change (SIFT: "Deleterious"; PolyPhen-2: "Possibly Damaging"; Align-GVGD: "Class C0"). In summary, the available evidence is currently insufficient to determine the role of this variant in disease. Therefore, it has been classified as a Variant of Uncertain Significance.